The following is an entry in ClinVar:

NM_000400.4(ERCC2):c.1322C>T (p.Ser441Leu)

Gene: ERCC2 (ERCC excision repair 2, TFIIH core complex helicase subunit; minus strand). Cytogenetic location: 19q13.32.
Variant type: single nucleotide variant.
Coding change: c.1322C>T on transcript NM_000400.4 (MANE Select); coding-DNA position 1322, C replaced by T.
Protein change: p.Ser441Leu; replaces serine 441 with leucine.
Molecular consequence: missense variant.
Genome position (GRCh38, 1-based): chr19:45,357,529, G>A on the plus strand (C>T on the coding strand, the complement: ERCC2 is on the minus strand). VCF-style: chr19-45357529-G-A. GRCh37 (hg19) VCF-style: chr19-45860787-G-A.
Other names: short protein forms S441L.
Identifiers: ClinVar variation 3709028 (VCV003709028.2).
Genomic context (GRCh38, chr19:45,357,529, plus strand): 5'-CTTACCCCAGATGTGATGATGACAGACTGGAAACGCTCAAATACGGGTTTGATGGCCAGC[G>A]AGGCGTCCATGCAGCTGGAGAGAGATGAGGGCAGTGAGGGCCCGGGGGGCTGGGCCCCCG-3'
Protein context (NP_000391.1, residues 431-451): PILHFSCMDA[Ser441Leu]LAIKPVFERF

ClinVar aggregate classification (germline): Uncertain significance (1 of 4 stars; one submission).

Submission:

Labcorp Genetics (formerly Invitae), Labcorp
Classification: Uncertain significance. Last evaluated: 2024-10-14. Review status: criteria provided, single submitter. Criteria: Invitae Variant Classification Sherloc (09022015). Collection method: clinical testing. Allele origin: germline.
Comment: This sequence change replaces serine, which is neutral and polar, with leucine, which is neutral and non-polar, at codon 441 of the ERCC2 protein (p.Ser441Leu). This variant is present in population databases (rs760834335, gnomAD 0.003%). This variant has not been reported in the literature in individuals affected with ERCC2-related conditions. Invitae Evidence Modeling of protein sequence and biophysical properties (such as structural, functional, and spatial information, amino acid conservation, physicochemical variation, residue mobility, and thermodynamic stability) indicates that this missense variant is expected to disrupt ERCC2 protein function with a positive predictive value of 80%. In summary, the available evidence is currently insufficient to determine the role of this variant in disease. Therefore, it has been classified as a Variant of Uncertain Significance.